The following is an entry in ClinVar:

NM_006904.7(PRKDC):c.12095A>T (p.Asn4032Ile)

Gene: PRKDC (protein kinase, DNA-activated, catalytic subunit; minus strand). Cytogenetic location: 8q11.21.
Variant type: single nucleotide variant.
Coding change: c.12095A>T on transcript NM_006904.7 (MANE Select); coding-DNA position 12095, A replaced by T.
Protein change: p.Asn4032Ile; replaces asparagine 4032 with isoleucine.
Molecular consequence: missense variant.
Genome position (GRCh38, 1-based): chr8:47,776,931, T>A on the plus strand (A>T on the coding strand, the complement: PRKDC is on the minus strand). VCF-style: chr8-47776931-T-A. GRCh37 (hg19) VCF-style: chr8-48689492-T-A.
Other names: c.12002A>T, p.Asn4001Ile (NM_001081640.2); short protein forms N4001I, N4032I.
Identifiers: ClinVar variation 1519659 (VCV001519659.6), dbSNP rs1395144570, ClinGen allele CA371127133.

ClinVar aggregate classification (germline): Uncertain significance (1 of 4 stars; one submission).

Conditions:
Severe combined immunodeficiency due to DNA-PKcs deficiency. Also called: IMMUNODEFICIENCY 26 WITH NEUROLOGIC ABNORMALITIES; Immunodeficiency 26 with or without neurologic abnormalities. Identifiers: Orphanet 317425, MedGen C4014833, MONDO:0014423, OMIM 615966.

gnomAD v4.1: 2 of 1,613,724 alleles (0.00012%); highest among the groups gnomAD compares: Non-Finnish European, 0.00017%; no homozygotes.

Submission:

Labcorp Genetics (formerly Invitae), Labcorp
Classification: Uncertain significance for Severe combined immunodeficiency due to DNA-PKcs deficiency. Last evaluated: 2021-03-25. Review status: criteria provided, single submitter. Criteria: Invitae Variant Classification Sherloc (09022015). Collection method: clinical testing. Allele origin: germline.
Comment: In summary, the available evidence is currently insufficient to determine the role of this variant in disease. Therefore, it has been classified as a Variant of Uncertain Significance. Experimental studies and prediction algorithms are not available or were not evaluated, and the functional significance of this variant is currently unknown. This variant has not been reported in the literature in individuals with PRKDC-related conditions. This variant is not present in population databases (ExAC no frequency). This sequence change replaces asparagine with isoleucine at codon 4032 of the PRKDC protein (p.Asn4032Ile). The asparagine residue is moderately conserved and there is a large physicochemical difference between asparagine and isoleucine.